The following is an entry in ClinVar:

NM_005188.4(CBL):c.2100C>A (p.Tyr700Ter)

Gene: CBL (Cbl proto-oncogene; plus strand). Cytogenetic location: 11q23.3.
Variant type: single nucleotide variant.
Coding change: c.2100C>A on transcript NM_005188.4 (MANE Select); coding-DNA position 2100, C replaced by A.
Protein change: p.Tyr700Ter; replaces tyrosine 700 with a stop codon.
Molecular consequence: nonsense.
Genome position (GRCh38, 1-based): chr11:119,296,981, C>A. VCF-style: chr11-119296981-C-A. GRCh37 (hg19) VCF-style: chr11-119167691-C-A.
Other names: short protein forms Y700*.
Identifiers: ClinVar variation 2917631 (VCV002917631.3), dbSNP rs2496971091, ClinGen allele CA382926978.
Genomic context (GRCh38, chr11:119,296,981, plus strand): 5'-TCTTCCTGTGCCAAAACTGCCACCTGGGGAGCAATGTGAGGGTGAAGAGGACACAGAGTA[C>A]ATGACTCCCTCTTCCAGGCCTCTACGGCCTTTGGATACATCCCAGAGTTCACGGTAGGTT-3'

ClinVar aggregate classification (germline): Uncertain significance (1 of 4 stars; one submission).

Conditions:
RASopathy. Also called: Noonan spectrum disorder; rasopathies. Identifiers: Orphanet 536391, MedGen C5555857, MONDO:0021060.

Submission:

Labcorp Genetics (formerly Invitae), Labcorp
Classification: Uncertain significance for RASopathy. Last evaluated: 2023-06-17. Review status: criteria provided, single submitter. Criteria: Invitae Variant Classification Sherloc (09022015). Collection method: clinical testing. Allele origin: germline.
Comment: This sequence change creates a premature translational stop signal (p.Tyr700*) in the CBL gene. It is expected to result in an absent or disrupted protein product. However, the current clinical and genetic evidence is not sufficient to establish whether loss-of-function variants in CBL cause disease. This variant is not present in population databases (gnomAD no frequency). This variant has not been reported in the literature in individuals affected with CBL-related conditions. In summary, the available evidence is currently insufficient to determine the role of this variant in disease. Therefore, it has been classified as a Variant of Uncertain Significance.